The following is an entry in ClinVar:

NM_001010867.4(IBA57):c.284_285insT (p.Tyr96fs)

Gene: IBA57 (iron-sulfur cluster assembly factor IBA57; plus strand). Cytogenetic location: 1q42.13.
Variant type: Insertion.
Coding change: c.284_285insT on transcript NM_001010867.4 (MANE Select); coding-DNA positions 284 to 285, T inserted.
Protein change: p.Tyr96fs; shifts the reading frame from tyrosine 96.
Molecular consequence: frameshift variant.
Genome position: GRCh38 VCF-style: chr1-228166100-G-GT. GRCh37 (hg19) VCF-style: chr1-228353801-G-GT.
Other names: short protein forms Y96fs.
Identifiers: ClinVar variation 2933389 (VCV002933389.3), dbSNP rs1553263680, ClinGen allele CA345106411.

ClinVar aggregate classification (germline): Pathogenic (1 of 4 stars; one submission).

Conditions:
Multiple mitochondrial dysfunctions syndrome 3 (MMDS3). Identifiers: Orphanet 363424, MedGen C3809165, MONDO:0014132, OMIM 615330.
Hereditary spastic paraplegia 74. Also called: Spastic paraplegia 74, autosomal recessive. Identifiers: Orphanet 468661, MedGen C5568837, MONDO:0014644, OMIM 616451.

Allele frequency attached by ClinVar (database versions not stated): gnomAD exomes below 0.00001; gnomAD 0.00001; ESP Exome Variant Server 0.00018.

Submission:

Labcorp Genetics (formerly Invitae), Labcorp
Classification: Pathogenic for Multiple mitochondrial dysfunctions syndrome 3; Hereditary spastic paraplegia 74. Last evaluated: 2023-07-29. Review status: criteria provided, single submitter. Criteria: Invitae Variant Classification Sherloc (09022015). Collection method: clinical testing. Allele origin: germline.
Comment: For these reasons, this variant has been classified as Pathogenic. This variant has not been reported in the literature in individuals affected with IBA57-related conditions. This variant is not present in population databases (gnomAD no frequency). This sequence change creates a premature translational stop signal (p.Tyr96Leufs*14) in the IBA57 gene. It is expected to result in an absent or disrupted protein product. Loss-of-function variants in IBA57 are known to be pathogenic (PMID: 23462291, 25971455, 27785568, 28671726).

Literature cited by the submitters: PubMed 23462291; PubMed 25971455; PubMed 27785568; PubMed 28671726.